The following is an entry in ClinVar:

NM_001035.3(RYR2):c.11252C>G (p.Thr3751Ser)

Gene: RYR2 (ryanodine receptor 2; plus strand). Cytogenetic location: 1q43.
Variant type: single nucleotide variant.
Coding change: c.11252C>G on transcript NM_001035.3 (MANE Select); coding-DNA position 11252, C replaced by G.
Protein change: p.Thr3751Ser; replaces threonine 3751 with serine.
Molecular consequence: missense variant.
Genome position (GRCh38, 1-based): chr1:237,757,703, C>G. VCF-style: chr1-237757703-C-G. GRCh37 (hg19) VCF-style: chr1-237921003-C-G.
Other names: short protein forms T3751S.
Identifiers: ClinVar variation 924250 (VCV000924250.6), dbSNP rs772768256, ClinGen allele CA084881.
Genomic context (GRCh38, chr1:237,757,703, plus strand): 5'-GTTAATATAGAAGGCGAAATGATATAAGGAACACTACTTTTTTATATTTCTTAGGTGAAA[C>G]TGGACCAATGGTAGCAGCTACTCTGAAACTTGGAATTGCTATTTTAAATGGTGGGAACTC-3'
Protein context (NP_001026.2, residues 3741-3761): LQTISASKGE[Thr3751Ser]GPMVAATLKL

ClinVar aggregate classification (germline): Conflicting classifications of pathogenicity. Review status: criteria provided, conflicting classifications (1 of 4 stars). 2 submissions from 2 submitters: Uncertain significance (1); Likely benign (1). Last evaluated 2023-04-10.

Conditions:
Catecholaminergic polymorphic ventricular tachycardia 1. Also called: VENTRICULAR TACHYCARDIA, CATECHOLAMINERGIC POLYMORPHIC, 1, WITH OR WITHOUT ATRIAL DYSFUNCTION AND/OR DILATED CARDIOMYOPATHY; RYR2-Related Catecholaminergic Polymorphic Ventricular Tachycardia; VENTRICULAR TACHYCARDIA, STRESS-INDUCED POLYMORPHIC 1. Identifiers: Orphanet 3286, MedGen C1631597, MONDO:0011484, OMIM 604772.
Cardiomyopathy (CMYO). Also called: Cardiomyopathies. Identifiers: Orphanet 167848, MedGen C0878544, MONDO:0004994, HP:0001638. Inheritance: Various modes of inheritance.

Allele frequency attached by ClinVar (database versions not stated): gnomAD exomes below 0.00001 and 0.00001; ExAC 0.00002.
gnomAD v4.1: 4 of 1,606,614 alleles (0.00025%); highest among the groups gnomAD compares: East Asian, 0.0089%; no homozygotes.

Submissions (2):

Labcorp Genetics (formerly Invitae), Labcorp
Classification: Likely benign for Catecholaminergic polymorphic ventricular tachycardia 1. Last evaluated: 2023-04-10. Review status: criteria provided, single submitter. Criteria: Invitae Variant Classification Sherloc (09022015). Collection method: clinical testing. Allele origin: germline.

Color Diagnostics, LLC DBA Color Health
Classification: Uncertain significance for Cardiomyopathy. Last evaluated: 2020-11-18. Review status: criteria provided, single submitter. Criteria: ACMG Guidelines, 2015. Collection method: clinical testing. Allele origin: germline.
Comment: This variant is located in the RYR2 protein. Computational prediction suggests that this variant may not impact protein structure and function (internally defined REVEL score threshold <= 0.5, PMID: 27666373). To our knowledge, functional studies have not been reported for this variant. This variant has been reported in an individual affected with sudden unexpected death (PMID: 28747690). This variant has been identified in 2/248950 chromosomes in the general population by the Genome Aggregation Database (gnomAD). The available evidence is insufficient to determine the role of this variant in disease conclusively. Therefore, this variant is classified as a Variant of Uncertain Significance.